The following is an entry in ClinVar:

NM_001267550.2(TTN):c.86700C>T (p.Asn28900=)

Genes: TTN-AS1 (TTN antisense RNA 1; plus strand), TTN (titin; minus strand). Cytogenetic location: 2q31.2.
Variant type: single nucleotide variant.
Coding change: c.86700C>T on transcript NM_001267550.2 (MANE Select); coding-DNA position 86700, C replaced by T.
Protein change: p.Asn28900=; no amino-acid change (asparagine 28900 retained).
Molecular consequence: synonymous variant.
Genome position (GRCh38, 1-based): chr2:178,559,432, G>A on the plus strand (C>T on the coding strand, the complement: TTN is on the minus strand). VCF-style: chr2-178559432-G-A. GRCh37 (hg19) VCF-style: chr2-179424159-G-A.
Other names: c.59505C>T, p.Asn19835= (NM_003319.4); c.59880C>T, p.Asn19960= (NM_133432.3); c.60081C>T, p.Asn20027= (NM_133437.4); c.81777C>T, p.Asn27259= (NM_001256850.1); c.78996C>T, p.Asn26332= (NM_133378.4).
Identifiers: ClinVar variation 179330 (VCV000179330.26), dbSNP rs727504793, ClinGen allele CA184210.
Genomic context (GRCh38, chr2:178,559,432, plus strand): 5'-AGAGACTCTGAAGTAATAGATAGCTCCTTCTTGTAAATTGGTAACTTTGTAGGAGAGGCG[G>A]TTACAGTTGTTGGTCACAGAGACCCATGCTTTCTTGCTGGCCTCACGTTTTTCTATGTGG-3'
Protein context (NP_001254479.2, residues 28890-28910): KAWVSVTNNC[Asn28900=]RLSYKVTNLQ

ClinVar aggregate classification (germline): Conflicting classifications of pathogenicity. Review status: criteria provided, conflicting classifications (1 of 4 stars). 9 submissions from 9 submitters: Uncertain significance (1); Likely benign (8). Last evaluated 2025-12-02.

Conditions:
TTN-related disorder. Also called: TTN-related condition; TTN-related disease; TTN-related disorders.
Dilated cardiomyopathy 1G (CMD1G). Identifiers: Orphanet 154, MedGen C1858763, MONDO:0011400, OMIM 604145.
Autosomal recessive limb-girdle muscular dystrophy type 2J (LGMDR10). Also called: Limb-girdle muscular dystrophy, type 2J; MUSCULAR DYSTROPHY, LIMB-GIRDLE, AUTOSOMAL RECESSIVE 10. Identifiers: Orphanet 140922, MedGen C1837342, MONDO:0012127, OMIM 608807.
Cardiovascular phenotype. Identifiers: MedGen CN230736.

Allele frequency attached by ClinVar (database versions not stated): gnomAD 0.00005 and 0.00006; gnomAD exomes 0.00005; TOPMed 0.00006.
gnomAD v4.1: 106 of 1,613,600 alleles (0.0066%); highest among the groups gnomAD compares: Non-Finnish European, 0.0086%; no homozygotes.

Submissions (9):

Labcorp Genetics (formerly Invitae), Labcorp
Classification: Likely benign for Dilated cardiomyopathy 1G; Autosomal recessive limb-girdle muscular dystrophy type 2J. Last evaluated: 2025-12-02. Review status: criteria provided, single submitter. Criteria: Invitae Variant Classification Sherloc (09022015). Collection method: clinical testing. Allele origin: germline.

PreventionGenetics, part of Exact Sciences
Classification: Likely benign for TTN-related condition. Last evaluated: 2025-06-30. Review status: criteria provided, single submitter. Criteria: ACMG Guidelines, 2015. Collection method: clinical testing. Allele origin: germline.
Comment: This variant is classified as likely benign based on ACMG/AMP sequence variant interpretation guidelines (Richards et al. 2015 PMID: 25741868, with internal and published modifications).

Molecular Diagnostic Laboratory for Inherited Cardiovascular Disease, Montreal Heart Institute
Classification: Likely benign. Last evaluated: 2025-04-09. Review status: criteria provided, single submitter. Criteria: ACMG Guidelines, 2015. Collection method: clinical testing. Allele origin: germline. Affected: no.

Blueprint Genetics
Classification: Likely benign. Last evaluated: 2024-10-22. Review status: criteria provided, single submitter. Criteria: ACMG Guidelines, 2015. Collection method: clinical testing. Allele origin: germline.

Women's Health and Genetics/Laboratory Corporation of America, LabCorp
Classification: Likely benign. Last evaluated: 2023-08-19. Review status: criteria provided, single submitter. Criteria: LabCorp Variant Classification Summary - May 2015. Collection method: clinical testing. Allele origin: germline.

Ambry Genetics
Classification: Likely benign for Cardiovascular phenotype. Last evaluated: 2020-10-07. Review status: criteria provided, single submitter. Criteria: Ambry Variant Classification Scheme 2023. Collection method: clinical testing. Allele origin: germline.

GeneDx
Classification: Likely benign. Last evaluated: 2020-09-11. Review status: criteria provided, single submitter. Criteria: GeneDx Variant Classification Process June 2021. Collection method: clinical testing. Allele origin: germline. Affected: yes.

Eurofins Ntd Llc (ga)
Classification: Uncertain significance. Last evaluated: 2017-02-01. Review status: criteria provided, single submitter. Criteria: EGL Classification Definitions 2015. Collection method: clinical testing. Allele origin: germline. Observed: 1 variant allele, 1 heterozygote.

Laboratory for Molecular Medicine, Mass General Brigham Personalized Medicine
Classification: Likely benign. Last evaluated: 2013-11-11. Review status: criteria provided, single submitter. Criteria: LMM Criteria. Collection method: clinical testing. Allele origin: germline. Observed: 3 variant alleles.
Comment: Asn26332Asn in exon 275 of TTN: This variant is not expected to have clinical si gnificance because it does not alter an amino acid residue and is not located wi thin the splice consensus sequence. It has was absent from large population stud ies. Asn26332Asn in exon 275 of TTN (allele frequency = n/a)